The following is an entry in ClinVar:

ClinVar aggregate classification (germline): Likely benign (1 of 4 stars; one submission).

Allele frequency attached by ClinVar (database versions not stated): ExAC 0.00001.

Submission:

CeGaT Center for Human Genetics Tuebingen
Classification: Likely benign. Last evaluated: 2023-08-01. Review status: criteria provided, single submitter. Criteria: CeGaT Center For Human Genetics Tuebingen Variant Classification Criteria Version 2. Collection method: clinical testing. Allele origin: germline. Affected: yes. Observed: 1 variant allele.
Comment: MUC6: BP4, BP7

NM_005961.3(MUC6):c.5667C>A (p.Thr1889=)

Gene: MUC6 (mucin 6, oligomeric mucus/gel-forming (gene/pseudogene); minus strand). Cytogenetic location: 11p15.5.
Variant type: single nucleotide variant.
Coding change: c.5667C>A on transcript NM_005961.3 (MANE Select); coding-DNA position 5667, C replaced by A.
Protein change: p.Thr1889=; no amino-acid change (threonine 1889 retained).
Molecular consequence: synonymous variant.
Genome position (GRCh38, 1-based): chr11:1,017,134, G>T on the plus strand (C>A on the coding strand, the complement: MUC6 is on the minus strand). VCF-style: chr11-1017134-G-T. GRCh37 (hg19) VCF-style: chr11-1017134-G-T.
Identifiers: ClinVar variation 2641103 (VCV002641103.24), dbSNP rs201950836, ClinGen allele CA5795374.